The following is an entry in ClinVar:

ClinVar aggregate classification (germline): Benign/Likely benign. Review status: criteria provided, multiple submitters, no conflicts (2 of 4 stars). 13 submissions from 13 submitters: Benign (10); Likely benign (1). 2 of the submissions do not count toward it. Last evaluated 2026-01-25.

Conditions:
Ehlers-Danlos syndrome (EDS). Identifiers: Orphanet 98249, MedGen C0013720, MONDO:0020066.
Loeys-Dietz syndrome 4 (LDS4). Also called: ANEURYSM, AORTIC AND CEREBRAL, WITH ARTERIAL TORTUOSITY AND SKELETAL MANIFESTATIONS; TGFB2-Related Loeys-Dietz Syndrome. Identifiers: MedGen C3553762, MONDO:0013897, OMIM 614816.
Familial thoracic aortic aneurysm and aortic dissection (TAAD). Also called: Thoracic aortic aneurysms and dissections. Identifiers: Orphanet 91387, MedGen C4707243, MONDO:0019625.

Allele frequency attached by ClinVar (database versions not stated): gnomAD exomes 0.00121 and 0.00337; ExAC 0.00411; TOPMed 0.01517; 1000 Genomes Project 30x 0.01249; gnomAD 0.01314 and 0.01418; 1000 Genomes Project 0.01318; ESP Exome Variant Server 0.01599.
gnomAD v4.1: 3,851 of 1,613,432 alleles (0.24%); highest among the groups gnomAD compares: African/African-American, 4.5%; 88 homozygotes.

Submissions (13):

Labcorp Genetics (formerly Invitae), Labcorp
Classification: Benign for Loeys-Dietz syndrome 4. Last evaluated: 2026-01-25. Review status: criteria provided, single submitter. Criteria: Invitae Variant Classification Sherloc (09022015). Collection method: clinical testing. Allele origin: germline.

Molecular Diagnostic Laboratory for Inherited Cardiovascular Disease, Montreal Heart Institute
Classification: Benign. Last evaluated: 2025-04-09. Review status: criteria provided, single submitter. Criteria: ACMG Guidelines, 2015. Collection method: clinical testing. Allele origin: germline. Affected: no.

ARUP Laboratories, Molecular Genetics and Genomics, ARUP Laboratories
Classification: Benign for Loeys-Dietz syndrome 4. Last evaluated: 2025-02-12. Review status: criteria provided, single submitter. Criteria: ARUP Molecular Germline Variant Investigation Process 2024. Collection method: clinical testing. Allele origin: germline.

Mayo Clinic Laboratories, Mayo Clinic
Classification: Benign. Last evaluated: 2023-06-30. Review status: criteria provided, single submitter. Criteria: ACMG Guidelines, 2015. Collection method: clinical testing. Allele origin: germline. Observed: 14 variant alleles.

Genome Diagnostics Laboratory, The Hospital for Sick Children
Classification: Likely benign for Ehlers-Danlos syndrome. Last evaluated: 2022-06-08. Review status: criteria provided, single submitter. Criteria: ACMG Guidelines, 2015. Collection method: clinical testing. Allele origin: germline.

Women's Health and Genetics/Laboratory Corporation of America, LabCorp
Classification: Benign. Last evaluated: 2019-08-19. Review status: criteria provided, single submitter. Criteria: LabCorp Variant Classification Summary - May 2015. Collection method: clinical testing. Allele origin: germline.
Comment: Variant summary: TGFB2 c.643+7A>C alters a non-conserved nucleotide located close to a canonical splice site and therefore could affect mRNA splicing, leading to a significantly altered protein sequence. 4/4 computational tools predict no significant impact on normal splicing. However, these predictions have yet to be confirmed by functional studies. The variant allele was found at a frequency of 0.0034 in 251076 control chromosomes in the gnomAD database, including 20 homozygotes. The observed variant frequency is approximately 270 fold of the estimated maximal expected allele frequency for a pathogenic variant in TGFB2 causing Aortopathy phenotype (1.3e-05), strongly suggesting that the variant is benign. To our knowledge, no occurrence of c.643+7A>C in individuals affected with Aortopathy and no experimental evidence demonstrating its impact on protein function have been reported. Co-occurrences with other pathogenic variant(s) have been reported at our laboratory (FBN1 c.349C>T, p.Q117*), providing supporting evidence for a benign role. Two clinical diagnostic laboratories have submitted clinical-significance assessments for this variant to ClinVar after 2014 without evidence for independent evaluation. All laboratories classified the variant as benign. Based on the evidence outlined above, the variant was classified as benign.

Illumina Laboratory Services, Illumina
Classification: Benign for Loeys-Dietz syndrome 4. Last evaluated: 2018-01-12. Review status: criteria provided, single submitter. Criteria: ICSL Variant Classification Criteria 13 December 2019. Collection method: clinical testing. Allele origin: germline.
Comment: This variant was observed in the ICSL laboratory as part of a predisposition screen in an ostensibly healthy population. It had not been previously curated by ICSL or reported in the Human Gene Mutation Database (HGMD: prior to June 1st, 2018), and was therefore a candidate for classification through an automated scoring system. Utilizing variant allele frequency, disease prevalence and penetrance estimates, and inheritance mode, an automated score was calculated to assess if this variant is too frequent to cause the disease. Based on the score and internal cut-off values, a variant classified as benign is not then subjected to further curation. The score for this variant resulted in a classification of benign for this disease.

CHEO Genetics Diagnostic Laboratory, Children's Hospital of Eastern Ontario
Classification: Benign for Familial thoracic aortic aneurysm and aortic dissection. Last evaluated: 2016-07-22. Review status: criteria provided, single submitter. Criteria: ACMG Guidelines, 2015. Collection method: clinical testing. Allele origin: germline. Study: Canadian Open Genetics Repository.

GeneDx
Classification: Benign. Last evaluated: 2014-05-28. Review status: criteria provided, single submitter. Criteria: GeneDx Variant Classification (06012015). Collection method: clinical testing. Allele origin: germline. Affected: yes.
Comment: This variant is considered likely benign or benign based on one or more of the following criteria: it is a conservative change, it occurs at a poorly conserved position in the protein, it is predicted to be benign by multiple in silico algorithms, and/or has population frequency not consistent with disease.

Breakthrough Genomics
Classification: Benign. Review status: criteria provided, single submitter. Criteria: ACMG Guidelines, 2015. Collection method: not provided. Allele origin: germline. Inheritance: Autosomal dominant inheritance. Affected: yes.

PreventionGenetics, part of Exact Sciences
Classification: Benign. Review status: criteria provided, single submitter. Criteria: ACMG Guidelines, 2015. Collection method: clinical testing. Allele origin: germline.

Genome Diagnostics Laboratory, Amsterdam University Medical Center
Classification: Benign. Review status: no assertion criteria provided. Collection method: clinical testing. Allele origin: germline. Affected: yes. Study: VKGL Data-share Consensus. Not counted in ClinVar's aggregate classification.

Laboratory of Diagnostic Genome Analysis, Leiden University Medical Center (LUMC)
Classification: Likely benign. Review status: no assertion criteria provided. Collection method: clinical testing. Allele origin: germline. Affected: yes. Study: VKGL Data-share Consensus. Not counted in ClinVar's aggregate classification.

NM_003238.6(TGFB2):c.643+7A>C

Gene: TGFB2 (transforming growth factor beta 2; plus strand). Cytogenetic location: 1q41.
Variant type: single nucleotide variant.
Coding change: c.643+7A>C on transcript NM_003238.6 (MANE Select); 7 bases into the intron after coding-DNA position 643, A replaced by C.
Molecular consequence: intron variant.
Genome position (GRCh38, 1-based): chr1:218,434,221, A>C. VCF-style: chr1-218434221-A-C. GRCh37 (hg19) VCF-style: chr1-218607563-A-C.
Other names: p.?; c.727+7A>C (NM_001135599.4, NM_001135599.3).
Identifiers: ClinVar variation 139416 (VCV000139416.36), dbSNP rs7531245, ClinGen allele CA293896.